The following is an entry in ClinVar:

NM_001395276.1(OOSP1):c.486+921T>C

Gene: OOSP1 (oocyte secreted protein 1; plus strand). Cytogenetic location: 11q12.1.
Variant type: single nucleotide variant.
Coding change: c.486+921T>C on transcript NM_001395276.1 (MANE Select); 921 bases into the intron after coding-DNA position 486, T replaced by C.
Molecular consequence: intron variant.
Genome position (GRCh38, 1-based): chr11:59,948,783, T>C. VCF-style: chr11-59948783-T-C. GRCh37 (hg19) VCF-style: chr11-59716256-T-C.
Identifiers: ClinVar variation 3341650 (VCV003341650.16).

ClinVar aggregate classification (germline): Likely benign (1 of 4 stars; one submission).

Submission:

CeGaT Center for Human Genetics Tuebingen
Classification: Likely benign. Last evaluated: 2024-08-01. Review status: criteria provided, single submitter. Criteria: CeGaT Center For Human Genetics Tuebingen Variant Classification Criteria Version 2. Collection method: clinical testing. Allele origin: germline. Affected: yes. Observed: 1 variant allele.
Comment: OOSP1: PM2:Supporting, BP4, BP7